The following is an entry in ClinVar:

NM_017950.4(CCDC40):c.2954C>T (p.Ala985Val)

Gene: CCDC40 (coiled-coil domain 40 molecular ruler complex subunit; plus strand). Cytogenetic location: 17q25.3.
Variant type: single nucleotide variant.
Coding change: c.2954C>T on transcript NM_017950.4 (MANE Select); coding-DNA position 2954, C replaced by T.
Protein change: p.Ala985Val; replaces alanine 985 with valine.
Molecular consequence: missense variant.
Genome position (GRCh38, 1-based): chr17:80,095,384, C>T. VCF-style: chr17-80095384-C-T. GRCh37 (hg19) VCF-style: chr17-78069183-C-T.
Other names: NC_000017.10:g.78069183C>T; short protein forms A985V.
Identifiers: ClinVar variation 3898805 (VCV003898805.2).
Genomic context (GRCh38, chr17:80,095,384, plus strand): 5'-TTGCCCGCAGAGAGACCGTCACCACCCAGGCCGAGGGGCAGCGCAAGATGGACAGGAAGG[C>T]GCTCACCCGCACCGACTTCCACCACAAGCAGCTTGAGCTGCGCCGGAAAATCAGGGACGT-3'
Protein context (NP_060420.2, residues 975-995): AEGQRKMDRK[Ala985Val]LTRTDFHHKQ

ClinVar aggregate classification (germline): Uncertain significance (1 of 4 stars; one submission).

gnomAD v4.1: 18 of 1,614,090 alleles (0.0011%); highest among the groups gnomAD compares: African/African-American, 0.0053%; no homozygotes.

Submissions (2):

GeneDx
Classification: Uncertain significance. Last evaluated: 2024-11-12. Review status: criteria provided, single submitter. Criteria: GeneDx Variant Classification Process June 2021. Collection method: clinical testing. Allele origin: germline. Affected: yes.
Comment: In silico analysis indicates that this missense variant does not alter protein structure/function; Has not been previously published as pathogenic or benign to our knowledge

Dr. Peter K. Rogan Lab, Western University
No classification provided (evidence only). Condition: Familial cancer of breast. Review status: no classification provided. Collection method: in vitro. Allele origin: not applicable. Functional consequence: retained intron. Not counted in ClinVar's aggregate classification.